The following is an entry in ClinVar:

NM_000051.4(ATM):c.9017C>T (p.Ala3006Val)

Genes: ATM (ATM serine/threonine kinase; plus strand), C11orf65 (chromosome 11 open reading frame 65; minus strand). Cytogenetic location: 11q22.3.
Variant type: single nucleotide variant.
Coding change: c.9017C>T on transcript NM_000051.4 (MANE Select); coding-DNA position 9017, C replaced by T.
Protein change: p.Ala3006Val; replaces alanine 3006 with valine.
Molecular consequence: missense variant. On other transcripts: intron variant (2).
Genome position (GRCh38, 1-based): chr11:108,365,354, C>T. VCF-style: chr11-108365354-C-T. GRCh37 (hg19) VCF-style: chr11-108236081-C-T.
Other names: c.9017C>T, p.Ala3006Val (NM_001351834.2); c.640+20566G>A (NM_001330368.2); c.694+20566G>A (NM_001351110.2); short protein forms A3006V.
Identifiers: ClinVar variation 822900 (VCV000822900.11), dbSNP rs1319582645, ClinGen allele CA382531053.

ClinVar aggregate classification (germline): Uncertain significance. Review status: criteria provided, multiple submitters, no conflicts (2 of 4 stars). 2 submissions from 2 submitters: Uncertain significance (2). Last evaluated 2025-11-10.

Conditions:
Hereditary cancer-predisposing syndrome. Also called: Tumor predisposition; Neoplastic Syndromes, Hereditary; Hereditary Cancer Syndrome; Hereditary neoplastic syndrome. Identifiers: Orphanet 140162, MedGen C0027672, MeSH D009386, MONDO:0015356.
Ataxia-telangiectasia syndrome (AT). Also called: ATAXIA-TELANGIECTASIA, COMPLEMENTATION GROUP A; ATAXIA-TELANGIECTASIA, FRESNO VARIANT; Ataxia-telangiectasia; Ataxia-telangiectasia, complementation group D; AT, COMPLEMENTATION GROUP C; Ataxia-telangiectasia, complementation group E. Identifiers: Orphanet 100, MedGen C0004135, MONDO:0008840, OMIM 208900.

Allele frequency attached by ClinVar (database versions not stated): gnomAD exomes below 0.00001; gnomAD 0.00001.
gnomAD v4.1: 3 of 1,614,036 alleles (0.00019%); highest among the groups gnomAD compares: Non-Finnish European, 0.00025%; no homozygotes.

Submissions (2):

Labcorp Genetics (formerly Invitae), Labcorp
Classification: Uncertain significance for Ataxia-telangiectasia syndrome. Last evaluated: 2025-11-10. Review status: criteria provided, single submitter. Criteria: Invitae Variant Classification Sherloc (09022015). Collection method: clinical testing. Allele origin: germline.
Comment: This sequence change replaces alanine, which is neutral and non-polar, with valine, which is neutral and non-polar, at codon 3006 of the ATM protein (p.Ala3006Val). The frequency data for this variant in the population databases is considered unreliable, as metrics indicate poor data quality at this position in the gnomAD database. This variant has not been reported in the literature in individuals affected with ATM-related conditions. ClinVar contains an entry for this variant (Variation ID: 822900). Invitae Evidence Modeling of protein sequence and biophysical properties (such as structural, functional, and spatial information, amino acid conservation, physicochemical variation, residue mobility, and thermodynamic stability) has been performed for this missense variant. However, the output from this modeling did not meet the statistical confidence thresholds required to predict the impact of this variant on ATM protein function. In summary, the available evidence is currently insufficient to determine the role of this variant in disease. Therefore, it has been classified as a Variant of Uncertain Significance.

Ambry Genetics
Classification: Uncertain significance for Hereditary cancer-predisposing syndrome. Last evaluated: 2023-11-22. Review status: criteria provided, single submitter. Criteria: Ambry Variant Classification Scheme 2023. Collection method: clinical testing. Allele origin: germline.
Comment: The p.A3006V variant (also known as c.9017C>T), located in coding exon 62 of the ATM gene, results from a C to T substitution at nucleotide position 9017. The alanine at codon 3006 is replaced by valine, an amino acid with similar properties. This amino acid position is highly conserved in available vertebrate species. In addition, the in silico prediction for this alteration is inconclusive. Since supporting evidence is limited at this time, the clinical significance of this alteration remains unclear.